The following is an entry in ClinVar:

NM_002474.3(MYH11):c.2412-183C>G

Gene: MYH11 (myosin heavy chain 11; minus strand). Cytogenetic location: 16p13.11.
Variant type: single nucleotide variant.
Coding change: c.2412-183C>G on transcript NM_002474.3 (MANE Select); 183 bases into the intron before coding-DNA position 2412, C replaced by G.
Molecular consequence: intron variant.
Genome position (GRCh38, 1-based): chr16:15,745,420, G>C on the plus strand (C>G on the coding strand, the complement: MYH11 is on the minus strand). VCF-style: chr16-15745420-G-C. GRCh37 (hg19) VCF-style: chr16-15839277-G-C.
Other names: c.2412-183C>G (NM_022844.3); c.2433-183C>G (NM_001040114.2, NM_001040113.2).
Identifiers: ClinVar variation 675276 (VCV000675276.1), dbSNP rs146651773, ClinGen allele CA278634259.
Genomic context (GRCh38, chr16:15,745,420, plus strand): 5'-TTCCAGAAACCCTGTGTGACACATGTGTTGTCTGGCTGCAAACAACTTAAATCATCTACA[G>C]GACAGAGCCTTTTTCAGTGGACAAGGAAGACCCAGGGCTCACAACATGCCCTGGACTTAG-3'

ClinVar aggregate classification (germline): Likely benign (1 of 4 stars; one submission).

Allele frequency attached by ClinVar (database versions not stated): TOPMed 0.02039; 1000 Genomes Project 30x 0.02108; 1000 Genomes Project 0.02117; gnomAD 0.02211 and 0.02321.
gnomAD v4.1: 3,599 of 152,134 alleles (2.4%); highest among the groups gnomAD compares: South Asian, 7.1%; 70 homozygotes.

Submission:

GeneDx
Classification: Likely benign. Last evaluated: 2018-06-14. Review status: criteria provided, single submitter. Criteria: GeneDx Variant Classification (06012015). Collection method: clinical testing. Allele origin: germline. Affected: yes.
Comment: This variant is considered likely benign or benign based on one or more of the following criteria: it is a conservative change, it occurs at a poorly conserved position in the protein, it is predicted to be benign by multiple in silico algorithms, and/or has population frequency not consistent with disease.